The following is an entry in ClinVar:

ClinVar aggregate classification (germline): Uncertain significance (1 of 4 stars; one submission).

Submission:

CeGaT Center for Human Genetics Tuebingen
Classification: Uncertain significance. Last evaluated: 2026-07-01. Review status: criteria provided, single submitter. Criteria: CeGaT Center For Human Genetics Tuebingen Variant Classification Criteria Version 2. Collection method: clinical testing. Allele origin: germline. Affected: yes. Observed: 1 variant allele.
Comment: TRIP12: PM2, PP2, BP5

NM_001348323.3(TRIP12):c.4921C>T (p.Leu1641Phe)

Gene: TRIP12 (thyroid hormone receptor interactor 12; minus strand). Cytogenetic location: 2q36.3.
Variant type: single nucleotide variant.
Coding change: c.4921C>T on transcript NM_001348323.3 (MANE Select); coding-DNA position 4921, C replaced by T.
Protein change: p.Leu1641Phe; replaces leucine 1641 with phenylalanine.
Molecular consequence: missense variant.
Genome position (GRCh38, 1-based): chr2:229,787,579, G>A on the plus strand (C>T on the coding strand, the complement: TRIP12 is on the minus strand). VCF-style: chr2-229787579-G-A. GRCh37 (hg19) VCF-style: chr2-230652295-G-A.
Other names: c.4840C>T, p.Leu1614Phe (NM_001284214.2, NM_001348315.2); c.4795C>T, p.Leu1599Phe (NM_001284215.2, NM_001348316.2); c.3886C>T, p.Leu1296Phe (NM_001284216.2); c.4780C>T, p.Leu1594Phe (NM_001348317.1, NM_001348318.2); c.4906C>T, p.Leu1636Phe (NM_001348319.1, NM_001348320.2); c.4909C>T, p.Leu1637Phe (NM_001348321.1); c.4921C>T, p.Leu1641Phe (NM_001348322.1, NM_001348324.2, NM_001348325.2 and 2 more transcripts); c.4924C>T, p.Leu1642Phe (NM_001348328.1, NM_001348329.2, NM_001348330.2); and 4 more; short protein forms L1296F, L1566F, L1567F, L1594F, L1599F, L1607F, L1614F, L1615F.
Identifiers: ClinVar variation 5040180 (VCV005040180.1).